The following is an entry in ClinVar:

ClinVar aggregate classification (germline): Uncertain significance (1 of 4 stars; one submission).

Submission:

Labcorp Genetics (formerly Invitae), Labcorp
Classification: Uncertain significance. Last evaluated: 2025-05-01. Review status: criteria provided, single submitter. Criteria: Invitae Variant Classification Sherloc (09022015). Collection method: clinical testing. Allele origin: germline.
Comment: This sequence change replaces methionine, which is neutral and non-polar, with threonine, which is neutral and polar, at codon 547 of the KAT6A protein (p.Met547Thr). This variant is not present in population databases (gnomAD no frequency). This variant has not been reported in the literature in individuals affected with KAT6A-related conditions. Invitae Evidence Modeling of protein sequence and biophysical properties (such as structural, functional, and spatial information, amino acid conservation, physicochemical variation, residue mobility, and thermodynamic stability) indicates that this missense variant is not expected to disrupt KAT6A protein function with a negative predictive value of 95%. In summary, the available evidence is currently insufficient to determine the role of this variant in disease. Therefore, it has been classified as a Variant of Uncertain Significance.

NM_006766.5(KAT6A):c.1640T>C (p.Met547Thr)

Gene: KAT6A (lysine acetyltransferase 6A; minus strand). Cytogenetic location: 8p11.21.
Variant type: single nucleotide variant.
Coding change: c.1640T>C on transcript NM_006766.5 (MANE Select); coding-DNA position 1640, T replaced by C.
Protein change: p.Met547Thr; replaces methionine 547 with threonine.
Molecular consequence: missense variant.
Genome position (GRCh38, 1-based): chr8:41,949,322, A>G on the plus strand (T>C on the coding strand, the complement: KAT6A is on the minus strand). VCF-style: chr8-41949322-A-G. GRCh37 (hg19) VCF-style: chr8-41806840-A-G.
Other names: c.1640T>C, p.Met547Thr (NM_001305878.2); short protein forms M547T.
Identifiers: ClinVar variation 4747357 (VCV004747357.1).